The following is an entry in ClinVar:

NM_001008537.3(NEXMIF):c.3866G>A (p.Ser1289Asn)

Gene: NEXMIF (neurite extension and migration factor; minus strand). Cytogenetic location: Xq13.3.
Variant type: single nucleotide variant.
Coding change: c.3866G>A on transcript NM_001008537.3 (MANE Select); coding-DNA position 3866, G replaced by A.
Protein change: p.Ser1289Asn; replaces serine 1289 with asparagine.
Molecular consequence: missense variant.
Genome position (GRCh38, 1-based): chrX:74,740,691, C>T on the plus strand (G>A on the coding strand, the complement: NEXMIF is on the minus strand). VCF-style: chrX-74740691-C-T. GRCh37 (hg19) VCF-style: chrX-73960526-C-T.
Other names: short protein forms S1289N.
Identifiers: ClinVar variation 3903044 (VCV003903044.1).

ClinVar aggregate classification (germline): Uncertain significance (1 of 4 stars; one submission).

Submission:

GeneDx
Classification: Uncertain significance. Last evaluated: 2024-12-16. Review status: criteria provided, single submitter. Criteria: GeneDx Variant Classification Process June 2021. Collection method: clinical testing. Allele origin: germline. Affected: yes.
Comment: Not observed at significant frequency in large population cohorts (gnomAD); In silico analysis indicates that this missense variant does not alter protein structure/function; Has not been previously published as pathogenic or benign to our knowledge